The following is an entry in ClinVar:

NM_025114.4(CEP290):c.755A>T (p.Lys252Met)

Gene: CEP290 (centrosomal protein 290; minus strand). Cytogenetic location: 12q21.32.
Variant type: single nucleotide variant.
Coding change: c.755A>T on transcript NM_025114.4 (MANE Select); coding-DNA position 755, A replaced by T.
Protein change: p.Lys252Met; replaces lysine 252 with methionine.
Molecular consequence: missense variant.
Genome position (GRCh38, 1-based): chr12:88,129,791, T>A on the plus strand (A>T on the coding strand, the complement: CEP290 is on the minus strand). VCF-style: chr12-88129791-T-A. GRCh37 (hg19) VCF-style: chr12-88523568-T-A.
Other names: c.755A>T (NM_025114.3); short protein forms K252M.
Identifiers: ClinVar variation 1488775 (VCV001488775.10), dbSNP rs991079890, ClinGen allele CA241157454.
Genomic context (GRCh38, chr12:88,129,791, plus strand): 5'-TCTATTACATTATCTGTCTGATGCACAATAGCTTTCATTCTATTATATTCATCAGTCATC[T>A]TCTCCATTTCCTGTACAGACTCTTCTAAATTTTTTCTCATTTCTTGATTCTGAACTTCAA-3'
Protein context (NP_079390.3, residues 242-262): NLEESVQEME[Lys252Met]MTDEYNRMKA

ClinVar aggregate classification (germline): Uncertain significance. Review status: criteria provided, multiple submitters, no conflicts (2 of 4 stars). 5 submissions from 5 submitters: Uncertain significance (4). 1 of the submissions does not count toward it. Last evaluated 2025-05-20.

Conditions:
Joubert syndrome 5 (JBTS5). Identifiers: Orphanet 2318, MedGen C1857780, MONDO:0012432, OMIM 610188.
Leber congenital amaurosis 10 (LCA10). Identifiers: Orphanet 65, MedGen C1857821, MONDO:0012723, OMIM 611755.
Senior-Loken syndrome 6 (SLSN6). Identifiers: Orphanet 3156, MedGen C1857779, MONDO:0012433, OMIM 610189.
Bardet-Biedl syndrome 14 (BBS14). Identifiers: Orphanet 110, MedGen C2673874, MONDO:0014442, OMIM 615991.
Meckel syndrome, type 4 (MKS4). Also called: MECKEL-GRUBER SYNDROME, TYPE 4. Identifiers: Orphanet 564, MedGen C1970161, MONDO:0012626, OMIM 611134.
CEP290-related disorder. Also called: CEP290-related disorders; CEP290-related condition. Identifiers: MedGen CN239314.
Inborn genetic diseases. Identifiers: MedGen C0950123, MeSH D030342.
Nephronophthisis. Also called: Juvenile Nephronophthisis. Identifiers: Orphanet 655, MedGen C0687120, MONDO:0019005, HP:0000090.
Meckel-Gruber syndrome. Also called: DYSENCEPHALIA SPLANCHNOCYSTICA; GRUBER SYNDROME; Dysencephalia splachnocystica. Identifiers: Orphanet 564, MedGen C0265215, MONDO:0018921.
Joubert syndrome. Also called: CEREBELLOPARENCHYMAL DISORDER IV; JOUBERT-BOLTSHAUSER SYNDROME; Familial aplasia of the vermis. Identifiers: Orphanet 475, MedGen C5979921, MONDO:0018772.

Allele frequency attached by ClinVar (database versions not stated): gnomAD exomes below 0.00001; TOPMed 0.00003; gnomAD 0.00005 and 0.00006.
gnomAD v4.1: 10 of 1,484,342 alleles (0.00067%); highest among the groups gnomAD compares: African/African-American, 0.013%; no homozygotes.

Submissions (5):

GeneDx
Classification: Uncertain significance. Last evaluated: 2025-05-20. Review status: criteria provided, single submitter. Criteria: GeneDx Variant Classification Process June 2021. Collection method: clinical testing. Allele origin: germline. Affected: yes.
Comment: In silico analysis suggests that this missense variant does not alter protein structure/function; Has not been previously published as pathogenic or benign to our knowledge

Ambry Genetics
Classification: Uncertain significance for Inborn genetic diseases. Last evaluated: 2024-11-15. Review status: criteria provided, single submitter. Criteria: Ambry Variant Classification Scheme 2023. Collection method: clinical testing. Allele origin: germline.

Labcorp Genetics (formerly Invitae), Labcorp
Classification: Uncertain significance for Joubert syndrome; Meckel-Gruber syndrome; Nephronophthisis. Last evaluated: 2022-08-16. Review status: criteria provided, single submitter. Criteria: Invitae Variant Classification Sherloc (09022015). Collection method: clinical testing. Allele origin: germline.
Comment: This sequence change replaces lysine, which is basic and polar, with methionine, which is neutral and non-polar, at codon 252 of the CEP290 protein (p.Lys252Met). This variant is present in population databases (no rsID available, gnomAD 0.03%). This variant has not been reported in the literature in individuals affected with CEP290-related conditions. ClinVar contains an entry for this variant (Variation ID: 1488775). Algorithms developed to predict the effect of missense changes on protein structure and function are either unavailable or do not agree on the potential impact of this missense change (SIFT: "Deleterious"; PolyPhen-2: "Probably Damaging"; Align-GVGD: "Class C0"). In summary, the available evidence is currently insufficient to determine the role of this variant in disease. Therefore, it has been classified as a Variant of Uncertain Significance.

Fulgent Genetics
Classification: Uncertain significance for Joubert syndrome 5; Senior-Loken syndrome 6; Meckel syndrome, type 4; Leber congenital amaurosis 10; Bardet-Biedl syndrome 14. Last evaluated: 2022-01-13. Review status: criteria provided, single submitter. Criteria: ACMG Guidelines, 2015. Collection method: clinical testing. Allele origin: unknown.

PreventionGenetics, part of Exact Sciences
Classification: Uncertain significance for CEP290-related condition. Last evaluated: 2024-07-25. Review status: no assertion criteria provided. Collection method: clinical testing. Allele origin: germline. Not counted in ClinVar's aggregate classification.
Comment: The CEP290 c.755A>T variant is predicted to result in the amino acid substitution p.Lys252Met. To our knowledge, this variant has not been reported in the literature. This variant is reported in 0.034% of alleles in individuals of African descent in gnomAD. At this time, the clinical significance of this variant is uncertain due to the absence of conclusive functional and genetic evidence.